The following is an entry in ClinVar:

NM_000138.5(FBN1):c.7563C>G (p.Ser2521=)

Gene: FBN1 (fibrillin 1; minus strand). Cytogenetic location: 15q21.1.
Variant type: single nucleotide variant.
Coding change: c.7563C>G on transcript NM_000138.5 (MANE Select); coding-DNA position 7563, C replaced by G.
Protein change: p.Ser2521=; no amino-acid change (serine 2521 retained).
Molecular consequence: synonymous variant.
Genome position (GRCh38, 1-based): chr15:48,421,959, G>C on the plus strand (C>G on the coding strand, the complement: FBN1 is on the minus strand). VCF-style: chr15-48421959-G-C. GRCh37 (hg19) VCF-style: chr15-48714156-G-C.
Other names: c.7563C>G, p.Ser2521= (NM_001406716.1).
Identifiers: ClinVar variation 3071832 (VCV003071832.1), dbSNP rs2505399383, ClinGen allele CA490015847.
Genomic context (GRCh38, chr15:48,421,959, plus strand): 5'-TCCCTTAAAAGAATCGCTACAATCCATGTAGGATTTTTTCCTCTCCTACTCACCAATGCA[G>C]GACGTATGGTGTTGGGTAAATCCGGGAGGACATTTGCATGTGAAGCCGCCAATGGTGTTA-3'
Protein context (NP_000129.3, residues 2511-2531): CPPGFTQHHT[Ser2521=]CIDNNECTSD

ClinVar aggregate classification (germline): Likely benign (1 of 4 stars; one submission).

Conditions:
Marfan syndrome (MFS). Also called: MARFAN SYNDROME, TYPE I; Marfan syndrome type 1; Marfan's syndrome; Marfan syndrome, classic; FBN1-Related Marfan Syndrome. Identifiers: Orphanet 284963, Orphanet 558, MedGen C0024796, MONDO:0007947, OMIM 154700.

gnomAD v4.1: 1 of 1,607,908 alleles (0.000062%); highest among the groups gnomAD compares: Non-Finnish European, 0.000085%; no homozygotes.

Submission:

All of Us Research Program, National Institutes of Health
Classification: Likely benign for Marfan syndrome. Last evaluated: 2023-06-26. Review status: criteria provided, single submitter. Criteria: ACMG Guidelines, 2015. Collection method: clinical testing. Allele origin: germline. Inheritance: Autosomal dominant inheritance. Observed: 1 variant allele, 1 heterozygote.
Comment: This study involves interpretation of variants in research participants for the purpose of population health screening. Participant phenotype was not available at the time of variant classification. Additional details can be found in publication PMID: 35346344, PMCID: PMC8962531